The following is an entry in ClinVar:

NM_000057.4(BLM):c.1000G>T (p.Val334Phe)

Gene: BLM (BLM RecQ like helicase; plus strand). Cytogenetic location: 15q26.1.
Variant type: single nucleotide variant.
Coding change: c.1000G>T on transcript NM_000057.4 (MANE Select); coding-DNA position 1000, G replaced by T.
Protein change: p.Val334Phe; replaces valine 334 with phenylalanine.
Molecular consequence: missense variant. On other transcripts: 5 prime UTR variant (1).
Genome position (GRCh38, 1-based): chr15:90,754,851, G>T. VCF-style: chr15-90754851-G-T. GRCh37 (hg19) VCF-style: chr15-91298081-G-T.
Other names: c.1000G>T, p.Val334Phe (NM_001287246.2, NM_001287247.2); c.-292G>T (NM_001287248.2); short protein forms V334F.
Identifiers: ClinVar variation 1753387 (VCV001753387.3), dbSNP rs2151152163, ClinGen allele CA393842070.

ClinVar aggregate classification (germline): Uncertain significance (1 of 4 stars; one submission).

Conditions:
Hereditary cancer-predisposing syndrome. Also called: Neoplastic Syndromes, Hereditary; Tumor predisposition; Hereditary Cancer Syndrome; Hereditary neoplastic syndrome. Identifiers: Orphanet 140162, MedGen C0027672, MeSH D009386, MONDO:0015356.

Allele frequency attached by ClinVar (database versions not stated): gnomAD exomes below 0.00001.

Submission:

Ambry Genetics
Classification: Uncertain significance for Hereditary cancer-predisposing syndrome. Last evaluated: 2025-05-02. Review status: criteria provided, single submitter. Criteria: Ambry Variant Classification Scheme 2023. Collection method: clinical testing. Allele origin: germline.
Comment: The p.V334F variant (also known as c.1000G>T), located in coding exon 4 of the BLM gene, results from a G to T substitution at nucleotide position 1000. The valine at codon 334 is replaced by phenylalanine, an amino acid with highly similar properties. This amino acid position is conserved. In addition, this alteration is predicted to be tolerated by in silico analysis. Since supporting evidence is limited at this time, the clinical significance of this alteration remains unclear.